The following is an entry in ClinVar:

ClinVar aggregate classification (germline): Uncertain significance. Review status: criteria provided, multiple submitters, no conflicts (2 of 4 stars). 2 submissions from 2 submitters: Uncertain significance (2). Last evaluated 2023-07-27.

Conditions:
Severe combined immunodeficiency due to DNA-PKcs deficiency. Also called: IMMUNODEFICIENCY 26 WITH NEUROLOGIC ABNORMALITIES; Immunodeficiency 26 with or without neurologic abnormalities. Identifiers: Orphanet 317425, MedGen C4014833, MONDO:0014423, OMIM 615966.

Allele frequency attached by ClinVar (database versions not stated): gnomAD exomes below 0.00001.
gnomAD v4.1: 1 of 1,596,924 alleles (0.000063%); highest among the groups gnomAD compares: Non-Finnish European, 0.000085%; no homozygotes.

Submissions (2):

Ambry Genetics
Classification: Uncertain significance. Last evaluated: 2023-07-27. Review status: criteria provided, single submitter. Criteria: Ambry Variant Classification Scheme 2023. Collection method: clinical testing. Allele origin: germline.
Comment: The p.C729S variant (also known as c.2186G>C), located in coding exon 20 of the PRKDC gene, results from a G to C substitution at nucleotide position 2186. The cysteine at codon 729 is replaced by serine, an amino acid with dissimilar properties. This amino acid position is conserved. In addition, the in silico prediction for this alteration is inconclusive. Since supporting evidence is limited at this time, the clinical significance of this alteration remains unclear.

Labcorp Genetics (formerly Invitae), Labcorp
Classification: Uncertain significance for Severe combined immunodeficiency due to DNA-PKcs deficiency. Last evaluated: 2022-01-16. Review status: criteria provided, single submitter. Criteria: Invitae Variant Classification Sherloc (09022015). Collection method: clinical testing. Allele origin: germline.
Comment: Experimental studies and prediction algorithms are not available or were not evaluated, and the functional significance of this variant is currently unknown. This sequence change replaces cysteine, which is neutral and slightly polar, with serine, which is neutral and polar, at codon 729 of the PRKDC protein (p.Cys729Ser). This variant is not present in population databases (gnomAD no frequency). This variant has not been reported in the literature in individuals affected with PRKDC-related conditions. In summary, the available evidence is currently insufficient to determine the role of this variant in disease. Therefore, it has been classified as a Variant of Uncertain Significance.

NM_006904.7(PRKDC):c.2186G>C (p.Cys729Ser)

Gene: PRKDC (protein kinase, DNA-activated, catalytic subunit; minus strand). Cytogenetic location: 8q11.21.
Variant type: single nucleotide variant.
Coding change: c.2186G>C on transcript NM_006904.7 (MANE Select); coding-DNA position 2186, G replaced by C.
Protein change: p.Cys729Ser; replaces cysteine 729 with serine.
Molecular consequence: missense variant.
Genome position (GRCh38, 1-based): chr8:47,927,844, C>G on the plus strand (G>C on the coding strand, the complement: PRKDC is on the minus strand). VCF-style: chr8-47927844-C-G. GRCh37 (hg19) VCF-style: chr8-48840404-C-G.
Other names: c.2186G>C, p.Cys729Ser (NM_001081640.2); short protein forms C729S.
Identifiers: ClinVar variation 2084952 (VCV002084952.5), dbSNP rs2551878294, ClinGen allele CA371162728.
Genomic context (GRCh38, chr8:47,927,844, plus strand): 5'-ACGTAGGCTCTAACATCGAGTTCAATGATGTTGTGTGGCAAGGACAGAAGAAAGGTCAAA[C>G]AAGAGGCCAAAAGTTCATCTTTGTACTGCTTCATTTTAACTGCCACCTTAACAAGAAAGA-3'
Protein context (NP_008835.5, residues 719-739): KQYKDELLAS[Cys729Ser]LTFLLSLPHN